The following is an entry in ClinVar:

NM_001278512.2(AP3B2):c.-2C>G

Gene: AP3B2 (adaptor related protein complex 3 subunit beta 2; minus strand). Cytogenetic location: 15q25.2.
Variant type: single nucleotide variant.
Coding change: c.-2C>G on transcript NM_001278512.2 (MANE Select); 2 bases upstream of the start codon, C replaced by G.
Molecular consequence: 5 prime UTR variant.
Genome position (GRCh38, 1-based): chr15:82,709,708, G>C on the plus strand (C>G on the coding strand, the complement: AP3B2 is on the minus strand). VCF-style: chr15-82709708-G-C. GRCh37 (hg19) VCF-style: chr15-83378460-G-C.
Other names: c.-2C>G (NM_001278511.2, NM_001348440.2, NM_004644.5).
Identifiers: ClinVar variation 3363549 (VCV003363549.2).
Genomic context (GRCh38, chr15:82,709,708, plus strand): 5'-GGCTCCCCGGGGCCAGCGGAGCCGCCCTTGTCTTCGCTGTAGGCGGGGGCGGCCGACATG[G>C]GGCGGCCAGGGAGACTTCGCCGAGGAGGAGGTTGCGGGGCCGGAGGCCGGCTGGAGCGGA-3'

ClinVar aggregate classification (germline): Uncertain significance (1 of 4 stars; one submission).

gnomAD v4.1: 3 of 1,480,040 alleles (0.0002%); highest among the groups gnomAD compares: African/African-American, 0.0044%; no homozygotes.

Submission:

GeneDx
Classification: Uncertain significance. Last evaluated: 2025-04-29. Review status: criteria provided, single submitter. Criteria: GeneDx Variant Classification Process June 2021. Collection method: clinical testing. Allele origin: germline.
Comment: Not observed at significant frequency in large population cohorts (gnomAD); Has not been previously published as pathogenic or benign to our knowledge